The following is an entry in ClinVar:

NM_000551.4(VHL):c.18G>C (p.Glu6Asp)

Gene: VHL (von Hippel-Lindau tumor suppressor; plus strand). Cytogenetic location: 3p25.3.
Variant type: single nucleotide variant.
Coding change: c.18G>C on transcript NM_000551.4 (MANE Select); coding-DNA position 18, G replaced by C.
Protein change: p.Glu6Asp; replaces glutamic acid 6 with aspartic acid.
Molecular consequence: missense variant. On other transcripts: non-coding transcript variant (1).
Genome position (GRCh38, 1-based): chr3:10,141,865, G>C. VCF-style: chr3-10141865-G-C. GRCh37 (hg19) VCF-style: chr3-10183549-G-C.
Other names: c.18G>C, p.Glu6Asp (NM_001354723.2, NM_198156.3); short protein forms E6D.
Identifiers: ClinVar variation 2954421 (VCV002954421.3), dbSNP rs1004620245, ClinGen allele CA351747037.

ClinVar aggregate classification (germline): Uncertain significance (1 of 4 stars; one submission).

Conditions:
Von Hippel-Lindau syndrome (VHLS). Also called: VHL syndrome; Von Hippel-Lindau; von Hippel–Lindau syndrome. Identifiers: Orphanet 892, MedGen C0019562, MONDO:0008667, OMIM 193300. Disease mechanism: loss of function.
Chuvash polycythemia. Also called: POLYCYTHEMIA, VHL-DEPENDENT. Identifiers: Orphanet 238557, MedGen C1837915, MONDO:0009892, OMIM 263400.

Submission:

Labcorp Genetics (formerly Invitae), Labcorp
Classification: Uncertain significance for Von Hippel-Lindau syndrome; Chuvash polycythemia. Last evaluated: 2023-12-04. Review status: criteria provided, single submitter. Criteria: Invitae Variant Classification Sherloc (09022015). Collection method: clinical testing. Allele origin: germline.
Comment: This sequence change replaces glutamic acid, which is acidic and polar, with aspartic acid, which is acidic and polar, at codon 6 of the VHL protein (p.Glu6Asp). This variant is not present in population databases (gnomAD no frequency). This variant has not been reported in the literature in individuals affected with VHL-related conditions. Advanced modeling of protein sequence and biophysical properties (such as structural, functional, and spatial information, amino acid conservation, physicochemical variation, residue mobility, and thermodynamic stability) performed at Invitae indicates that this missense variant is not expected to disrupt VHL protein function with a negative predictive value of 95%. In summary, the available evidence is currently insufficient to determine the role of this variant in disease. Therefore, it has been classified as a Variant of Uncertain Significance.